The following is an entry in ClinVar:

NM_007127.3(VIL1):c.948+3A>T

Gene: VIL1 (villin 1; plus strand). Cytogenetic location: 2q35.
Variant type: single nucleotide variant.
Coding change: c.948+3A>T on transcript NM_007127.3 (MANE Select); 3 bases into the intron after coding-DNA position 948, A replaced by T.
Molecular consequence: intron variant.
Genome position (GRCh38, 1-based): chr2:218,429,950, A>T. VCF-style: chr2-218429950-A-T. GRCh37 (hg19) VCF-style: chr2-219294673-A-T.
Identifiers: ClinVar variation 3037404 (VCV003037404.2), dbSNP rs1426848556, ClinGen allele CA1042448978.

ClinVar aggregate classification (germline): Likely benign (0 of 4 stars; one submission).

Conditions:
VIL1-related disorder. Also called: VIL1-related condition.

Submission:

PreventionGenetics, part of Exact Sciences
Classification: Likely benign for VIL1-related condition. Last evaluated: 2020-01-21. Review status: no assertion criteria provided. Collection method: clinical testing. Allele origin: germline.
Comment: This variant is classified as likely benign based on ACMG/AMP sequence variant interpretation guidelines (Richards et al. 2015 PMID: 25741868, with internal and published modifications).